The following is an entry in ClinVar:

ClinVar aggregate classification (germline): Uncertain significance. Review status: criteria provided, multiple submitters, no conflicts (2 of 4 stars). 3 submissions from 3 submitters: Uncertain significance (2). 1 of the submissions does not count toward it. Last evaluated 2025-08-31.

Conditions:
Biotinidase deficiency. Also called: BTD deficiency; Late-onset biotin-responsive multiple carboxylase deficiency; Biotin deficiency. Identifiers: Orphanet 79241, MedGen C0220754, MONDO:0009665, OMIM 253260.

Allele frequency attached by ClinVar (database versions not stated): gnomAD exomes below 0.00001 and 0.00001; ExAC 0.00001; gnomAD 0.00002; TOPMed 0.00002.
gnomAD v4.1: 5 of 1,614,068 alleles (0.00031%); highest among the groups gnomAD compares: African/African-American, 0.0053%; no homozygotes.

Submissions (3):

Labcorp Genetics (formerly Invitae), Labcorp
Classification: Uncertain significance for Biotinidase deficiency. Last evaluated: 2025-08-31. Review status: criteria provided, single submitter. Criteria: Invitae Variant Classification Sherloc (09022015). Collection method: clinical testing. Allele origin: germline.
Comment: This sequence change replaces phenylalanine, which is neutral and non-polar, with cysteine, which is neutral and slightly polar, at codon 232 of the BTD protein (p.Phe232Cys). This variant is present in population databases (rs768097543, gnomAD 0.01%). This variant has not been reported in the literature in individuals affected with BTD-related conditions. ClinVar contains an entry for this variant (Variation ID: 1330701). Invitae Evidence Modeling of protein sequence and biophysical properties (such as structural, functional, and spatial information, amino acid conservation, physicochemical variation, residue mobility, and thermodynamic stability) indicates that this missense variant is expected to disrupt BTD protein function with a positive predictive value of 95%. In summary, the available evidence is currently insufficient to determine the role of this variant in disease. Therefore, it has been classified as a Variant of Uncertain Significance.

ARUP Laboratories, Molecular Genetics and Genomics, ARUP Laboratories
Classification: Uncertain significance for Biotinidase deficiency. Last evaluated: 2021-10-06. Review status: criteria provided, single submitter. Criteria: ARUP Molecular Germline Variant Investigation Process 2021. Collection method: clinical testing. Allele origin: germline.
Comment: The BTD c.695T>G; p.Phe232Cys variant (rs768097543), to our knowledge, is not reported in the medical literature or gene specific databases. This variant is found in the African population with an allele frequency of 0.012% (2/16256 alleles) in the Genome Aggregation Database. Additionally, another variant at this codon (c.695T>C, p.Phe232Ser) has been reported in an individual with biotinidase deficiency and is considered pathogenic (Procter 2016). The phenylalanine at codon 232 is highly conserved, and computational analyses predict that this variant is deleterious (REVEL: 0.93). However, given the lack of clinical and functional data, the significance of the Phe232Cys variant is uncertain at this time. References: Procter M et al. Forty-eight novel mutations causing biotinidase deficiency. Mol Genet Metab. 2016 Mar;117(3):369-72. PMID: 26810761.

Natera, Inc.
Classification: Uncertain significance for Biotinidase deficiency. Last evaluated: 2024-03-08. Review status: no assertion criteria provided. Collection method: clinical testing. Allele origin: germline. Not counted in ClinVar's aggregate classification.

NM_001370658.1(BTD):c.635T>G (p.Phe212Cys)

Gene: BTD (biotinidase; plus strand). Cytogenetic location: 3p25.1.
Variant type: single nucleotide variant.
Coding change: c.635T>G on transcript NM_001370658.1 (MANE Select); coding-DNA position 635, T replaced by G.
Protein change: p.Phe212Cys; replaces phenylalanine 212 with cysteine.
Molecular consequence: missense variant. On other transcripts: intron variant (1).
Genome position (GRCh38, 1-based): chr3:15,644,551, T>G. VCF-style: chr3-15644551-T-G. GRCh37 (hg19) VCF-style: chr3-15686058-T-G.
Other names: c.635T>G, p.Phe212Cys (NM_001407368.1, NM_001407369.1, NM_001407370.1 and 18 more transcripts); c.695T>G, p.Phe232Cys (NM_000060.4); c.399+2494T>G (NM_001370753.1); short protein forms F212C, F232C.
Identifiers: ClinVar variation 1330701 (VCV001330701.9), dbSNP rs768097543, ClinGen allele CA2277362.